The following is an entry in ClinVar:

ClinVar aggregate classification (germline): Uncertain significance (1 of 4 stars; one submission).

Allele frequency attached by ClinVar (database versions not stated): gnomAD 0.00001; gnomAD exomes 0.00001; TOPMed 0.00002.
gnomAD v4.1: 12 of 1,614,082 alleles (0.00074%); highest among the groups gnomAD compares: African/African-American, 0.0013%; no homozygotes.

Submission:

Labcorp Genetics (formerly Invitae), Labcorp
Classification: Uncertain significance. Last evaluated: 2023-10-03. Review status: criteria provided, single submitter. Criteria: Invitae Variant Classification Sherloc (09022015). Collection method: clinical testing. Allele origin: germline.
Comment: This sequence change replaces valine, which is neutral and non-polar, with methionine, which is neutral and non-polar, at codon 197 of the GSN protein (p.Val197Met). This variant is present in population databases (no rsID available, gnomAD 0.007%). This variant has not been reported in the literature in individuals affected with GSN-related conditions. Advanced modeling of protein sequence and biophysical properties (such as structural, functional, and spatial information, amino acid conservation, physicochemical variation, residue mobility, and thermodynamic stability) performed at Invitae indicates that this missense variant is not expected to disrupt GSN protein function. In summary, the available evidence is currently insufficient to determine the role of this variant in disease. Therefore, it has been classified as a Variant of Uncertain Significance.

NM_198252.3(GSN):c.436G>A (p.Val146Met)

Gene: GSN (gelsolin; plus strand). Cytogenetic location: 9q33.2.
Variant type: single nucleotide variant.
Coding change: c.436G>A on transcript NM_198252.3 (MANE Select); coding-DNA position 436, G replaced by A.
Protein change: p.Val146Met; replaces valine 146 with methionine.
Molecular consequence: missense variant. On other transcripts: 5 prime UTR variant (1).
Genome position (GRCh38, 1-based): chr9:121,310,768, G>A. VCF-style: chr9-121310768-G-A. GRCh37 (hg19) VCF-style: chr9-124073046-G-A.
Other names: c.589G>A, p.Val197Met (NM_000177.5); c.436G>A, p.Val146Met (NM_001127662.2, NM_001127664.2, NM_001127665.2 and 10 more transcripts); c.544G>A, p.Val182Met (NM_001127663.2); c.469G>A, p.Val157Met (NM_001127666.2, NM_001353063.2, NM_001353064.2 and 13 more transcripts); c.508G>A, p.Val170Met (NM_001353076.2); c.-219G>A (NM_001353078.2); c.487G>A, p.Val163Met (NM_001258029.2); c.460G>A, p.Val154Met (NM_001258030.2); short protein forms V146M, V154M, V163M, V170M, V157M, V182M, V197M.
Identifiers: ClinVar variation 2901035 (VCV002901035.3), dbSNP rs958814554, ClinGen allele CA199408691.